The following is an entry in ClinVar:

ClinVar aggregate classification (germline): Conflicting classifications of pathogenicity. Review status: criteria provided, conflicting classifications (1 of 4 stars). 2 submissions from 2 submitters: Likely pathogenic (1); Uncertain significance (1). Last evaluated 2021-10-15.

Conditions:
Hypertrophic cardiomyopathy. Also called: HYPERTROPHIC MYOCARDIOPATHY. Identifiers: Orphanet 217569, MedGen C0007194, MeSH D002312, MONDO:0005045, HP:0001639.

Submissions (2):

Labcorp Genetics (formerly Invitae), Labcorp
Classification: Likely pathogenic for Hypertrophic cardiomyopathy. Last evaluated: 2021-10-15. Review status: criteria provided, single submitter. Criteria: Invitae Variant Classification Sherloc (09022015). Collection method: clinical testing. Allele origin: germline.
Comment: This sequence change replaces aspartic acid with tyrosine at codon 14 of the TPM1 protein (p.Asp14Tyr). The aspartic acid residue is moderately conserved and there is a large physicochemical difference between aspartic acid and tyrosine. This variant is not present in population databases (ExAC no frequency). This missense change has been observed in individual(s) with dilated cardiomyopathy (Invitae). In at least one individual the variant was observed to be de novo. ClinVar contains an entry for this variant (Variation ID: 234774). Algorithms developed to predict the effect of missense changes on protein structure and function are either unavailable or do not agree on the potential impact of this missense change (SIFT: "Deleterious"; PolyPhen-2: "Probably Damaging"; Align-GVGD: "Class C0"). In summary, the currently available evidence indicates that the variant is pathogenic, but additional data are needed to prove that conclusively. Therefore, this variant has been classified as Likely Pathogenic.

GeneDx
Classification: Uncertain significance. Last evaluated: 2016-01-19. Review status: criteria provided, single submitter. Criteria: GeneDx Variant Classification (06012015). Collection method: clinical testing. Allele origin: germline. Affected: yes.
Comment: The D14Y variant has not been published as a pathogenic variant, nor has it been reported as a benign variant to our knowledge. The D14Y variant was not observed in approximately 6,500 individuals of European and African American ancestry in the NHLBI Exome Sequencing Project, indicating it is not a common benign variant in these populations. However, no data from this individual's reported ethnic background was available to assess for a population specific benign variant. The D14Y variant is a non-conservative amino acid substitution, which is likely to impact secondary protein structure as these residues differ in polarity, charge, size and/or other properties. This substitution occurs at a position that is conserved across species. In silico analysis predicts this variant is probably damaging to the protein structure/function. Finally, one missense variant in nearby a residue (K15N) has been reported in the Human Gene Mutation Database in association with DCM (Stenson et al., 2014).

NM_001018005.2(TPM1):c.40G>T (p.Asp14Tyr)

Gene: TPM1 (tropomyosin 1; plus strand). Cytogenetic location: 15q22.2.
Variant type: single nucleotide variant.
Coding change: c.40G>T on transcript NM_001018005.2 (MANE Select); coding-DNA position 40, G replaced by T.
Protein change: p.Asp14Tyr; replaces aspartic acid 14 with tyrosine.
Molecular consequence: missense variant.
Genome position (GRCh38, 1-based): chr15:63,042,869, G>T. VCF-style: chr15-63042869-G-T. GRCh37 (hg19) VCF-style: chr15-63335068-G-T.
Other names: c.40G>T, p.Asp14Tyr (NM_000366.6, NM_001018004.2, NM_001018006.2 and 7 more transcripts); short protein forms D14Y.
Identifiers: ClinVar variation 234774 (VCV000234774.7), dbSNP rs876661210, ClinGen allele CA10577515.
Genomic context (GRCh38, chr15:63,042,869, plus strand): 5'-GGGCCCCTCGCCGCCGCCACCATGGACGCCATCAAGAAGAAGATGCAGATGCTGAAGCTC[G>T]ACAAGGAGAACGCCTTGGATCGAGCTGAGCAGGCGGAGGCCGACAAGAAGGCGGCGGAAG-3'
Protein context (NP_001018005.1, residues 4-24): IKKKMQMLKL[Asp14Tyr]KENALDRAEQ